The following is an entry in ClinVar:

NM_001035.3(RYR2):c.14692T>C (p.Phe4898Leu)

Gene: RYR2 (ryanodine receptor 2; plus strand). Cytogenetic location: 1q43.
Variant type: single nucleotide variant.
Coding change: c.14692T>C on transcript NM_001035.3 (MANE Select); coding-DNA position 14692, T replaced by C.
Protein change: p.Phe4898Leu; replaces phenylalanine 4898 with leucine.
Molecular consequence: missense variant.
Genome position (GRCh38, 1-based): chr1:237,830,566, T>C. VCF-style: chr1-237830566-T-C. GRCh37 (hg19) VCF-style: chr1-237993866-T-C.
Other names: short protein forms F4898L.
Identifiers: ClinVar variation 3069510 (VCV003069510.1), dbSNP rs886046280, ClinGen allele CA345409711.

ClinVar aggregate classification (germline): Uncertain significance (1 of 4 stars; one submission).

Conditions:
Catecholaminergic polymorphic ventricular tachycardia (CVPT). Also called: Catecholamine-induced polymorphic ventricular tachycardia. Identifiers: Orphanet 3286, MedGen C5574922, MONDO:0017990.

Submission:

All of Us Research Program, National Institutes of Health
Classification: Uncertain significance for Catecholaminergic polymorphic ventricular tachycardia. Last evaluated: 2023-02-24. Review status: criteria provided, single submitter. Criteria: ACMG Guidelines, 2015. Collection method: clinical testing. Allele origin: germline. Inheritance: Autosomal dominant inheritance. Observed: 1 variant allele, 1 heterozygote.
Comment: This missense variant replaces phenylalanine with leucine at codon 4898 of the RYR2 protein. Computational prediction suggests that this variant may have deleterious impact on protein structure and function (internally defined REVEL score threshold >= 0.7, PMID: 27666373). To our knowledge, functional studies have not been reported for this variant. This variant has not been reported in individuals affected with RYR2-related disorders in the literature. This variant has not been identified in the general population by the Genome Aggregation Database (gnomAD). The available evidence is insufficient to determine the role of this variant in disease conclusively. Therefore, this variant is classified as a Variant of Uncertain Significance.

This study involves interpretation of variants in research participants for the purpose of population health screening. Participant phenotype was not available at the time of variant classification. Additional details can be found in publication PMID: 35346344, PMCID: PMC8962531